The following is an entry in ClinVar:

NM_000535.7(PMS2):c.933C>G (p.His311Gln)

Gene: PMS2 (PMS1 homolog 2, mismatch repair system component; minus strand). Cytogenetic location: 7p22.1.
Variant type: single nucleotide variant.
Coding change: c.933C>G on transcript NM_000535.7 (MANE Select); coding-DNA position 933, C replaced by G.
Protein change: p.His311Gln; replaces histidine 311 with glutamine.
Molecular consequence: missense variant. On other transcripts: non-coding transcript variant (1), intron variant (1), 5 prime UTR variant (2).
Genome position (GRCh38, 1-based): chr7:5,992,028, G>C on the plus strand (C>G on the coding strand, the complement: PMS2 is on the minus strand). VCF-style: chr7-5992028-G-C. GRCh37 (hg19) VCF-style: chr7-6031659-G-C.
Other names: c.528C>G, p.His176Gln (NM_001406891.1, NM_001406892.1, NM_001406893.1 and 20 more transcripts); c.624C>G, p.His208Gln (NM_001406900.1, NM_001322015.2, NM_001406875.1 and 6 more transcripts); c.162C>G, p.His54Gln (NM_001406911.1); c.803+5298C>G (NM_001406912.1); c.-1C>G (NM_001322012.2, NM_001322011.2); c.360C>G, p.His120Gln (NM_001322013.2, NM_001406909.1); c.933C>G, p.His311Gln (NM_001322014.2, NM_001406870.1, NM_001406871.1 and 2 more transcripts); c.1119C>G, p.His373Gln (NM_001406866.1); and 8 more; short protein forms H208Q, H311Q, H120Q, H205Q, H176Q, H140Q, H189Q, H199Q.
Identifiers: ClinVar variation 823176 (VCV000823176.7), dbSNP rs1057521069, ClinGen allele CA366743167.

ClinVar aggregate classification (germline): Uncertain significance. Review status: criteria provided, multiple submitters, no conflicts (2 of 4 stars). 3 submissions from 3 submitters: Uncertain significance (2). 1 of the submissions does not count toward it. Last evaluated 2024-05-01.

Conditions:
Hereditary nonpolyposis colorectal neoplasms. Identifiers: MedGen C0009405, MeSH D003123.
Carcinoma of colon (CRC). Also called: Colonic carcinoma; Colon carcinoma. Identifiers: MedGen C0699790, MONDO:0002032.
Hereditary cancer-predisposing syndrome. Also called: Hereditary Cancer Syndrome; Hereditary neoplastic syndrome; Neoplastic Syndromes, Hereditary; Tumor predisposition. Identifiers: Orphanet 140162, MedGen C0027672, MeSH D009386, MONDO:0015356.

Allele frequency attached by ClinVar (database versions not stated): TOPMed below 0.00001.

Submissions (3):

Labcorp Genetics (formerly Invitae), Labcorp
Classification: Uncertain significance for Hereditary nonpolyposis colorectal neoplasms. Last evaluated: 2024-05-01. Review status: criteria provided, single submitter. Criteria: Invitae Variant Classification Sherloc (09022015). Collection method: clinical testing. Allele origin: germline.
Comment: This sequence change replaces histidine, which is basic and polar, with glutamine, which is neutral and polar, at codon 311 of the PMS2 protein (p.His311Gln). This variant is not present in population databases (gnomAD no frequency). This variant has not been reported in the literature in individuals affected with PMS2-related conditions. ClinVar contains an entry for this variant (Variation ID: 823176). Advanced modeling of protein sequence and biophysical properties (such as structural, functional, and spatial information, amino acid conservation, physicochemical variation, residue mobility, and thermodynamic stability) performed at Invitae indicates that this missense variant is expected to disrupt PMS2 protein function with a positive predictive value of 80%. In summary, the available evidence is currently insufficient to determine the role of this variant in disease. Therefore, it has been classified as a Variant of Uncertain Significance.

Ambry Genetics
Classification: Uncertain significance for Hereditary cancer-predisposing syndrome. Last evaluated: 2018-07-17. Review status: criteria provided, single submitter. Criteria: Ambry Variant Classification Scheme 2023. Collection method: clinical testing. Allele origin: germline.
Comment: The p.H311Q variant (also known as c.933C>G), located in coding exon 9 of the PMS2 gene, results from a C to G substitution at nucleotide position 933. The histidine at codon 311 is replaced by glutamine, an amino acid with highly similar properties. This amino acid position is highly conserved in available vertebrate species. In addition, the in silico prediction for this alteration is inconclusive. Since supporting evidence is limited at this time, the clinical significance of this alteration remains unclear.

Department of Pathology and Laboratory Medicine, Sinai Health System
Classification: Uncertain significance for Carcinoma of colon. Review status: no assertion criteria provided. Collection method: clinical testing. Allele origin: unknown. Affected: yes. Observed: 1 variant allele. Study: The Canadian Open Genetics Repository (COGR). Not counted in ClinVar's aggregate classification.
Comment: The PMS2 p.His311Gln variant was not identified in the literature nor was it identified in the dbSNP or ClinVar databases. The variant was not identified in the following control databases: the Exome Aggregation Consortium (August 8th 2016), or the Genome Aggregation Database (Feb 27, 2017). The p.His311 residue is conserved in mammals and computational analyses (PolyPhen-2, SIFT, AlignGVGD, BLOSUM, MutationTaster) provide inconsistent predictions regarding the impact to the protein; this information is not very predictive of pathogenicity. The variant occurs outside of the splicing consensus sequence and in silico or computational prediction software programs (SpliceSiteFinder, MaxEntScan, NNSPLICE, GeneSplicer) do not predict a difference in splicing. In summary, based on the above information the clinical significance of this variant cannot be determined with certainty at this time. This variant is classified as a variant of uncertain significance.